The following is an entry in ClinVar:

ClinVar aggregate classification (germline): Uncertain significance (1 of 4 stars; one submission).

Conditions:
Zellweger spectrum disorders (ZS). Also called: Zellweger Spectrum Disorder (ZSD); Zellweger Spectrum Disorder; Zellweger Spectrum; Zellweger syndrome. Identifiers: Orphanet 912, MedGen C0043459, MONDO:0019609.

Submission:

Labcorp Genetics (formerly Invitae), Labcorp
Classification: Uncertain significance for Zellweger spectrum disorders. Last evaluated: 2024-10-25. Review status: criteria provided, single submitter. Criteria: Invitae Variant Classification Sherloc (09022015). Collection method: clinical testing. Allele origin: germline.
Comment: This sequence change replaces glutamic acid, which is acidic and polar, with glutamine, which is neutral and polar, at codon 568 of the PEX1 protein (p.Glu568Gln). This variant is not present in population databases (gnomAD no frequency). This variant has not been reported in the literature in individuals affected with PEX1-related conditions. ClinVar contains an entry for this variant (Variation ID: 2060198). Invitae Evidence Modeling of protein sequence and biophysical properties (such as structural, functional, and spatial information, amino acid conservation, physicochemical variation, residue mobility, and thermodynamic stability) indicates that this missense variant is not expected to disrupt PEX1 protein function with a negative predictive value of 95%. In summary, the available evidence is currently insufficient to determine the role of this variant in disease. Therefore, it has been classified as a Variant of Uncertain Significance.

NM_000466.3(PEX1):c.1702G>C (p.Glu568Gln)

Gene: PEX1 (peroxisomal biogenesis factor 1; minus strand). Cytogenetic location: 7q21.2.
Variant type: single nucleotide variant.
Coding change: c.1702G>C on transcript NM_000466.3 (MANE Select); coding-DNA position 1702, G replaced by C.
Protein change: p.Glu568Gln; replaces glutamic acid 568 with glutamine.
Molecular consequence: missense variant.
Genome position (GRCh38, 1-based): chr7:92,507,095, C>G on the plus strand (G>C on the coding strand, the complement: PEX1 is on the minus strand). VCF-style: chr7-92507095-C-G. GRCh37 (hg19) VCF-style: chr7-92136409-C-G.
Other names: c.1702G>C, p.Glu568Gln (NM_001282677.2); c.1078G>C, p.Glu360Gln (NM_001282678.2); short protein forms E360Q, E568Q.
Identifiers: ClinVar variation 2060198 (VCV002060198.4), dbSNP rs2484676530, ClinGen allele CA368187891.